The following is an entry in ClinVar:

ClinVar aggregate classification (germline): Uncertain significance (1 of 4 stars; one submission).

Submission:

GeneDx
Classification: Uncertain significance. Last evaluated: 2022-03-07. Review status: criteria provided, single submitter. Criteria: GeneDx Variant Classification Process June 2021. Collection method: clinical testing. Allele origin: germline. Affected: yes.
Comment: Not observed at significant frequency in large population cohorts (gnomAD); In silico analysis supports that this missense variant has a deleterious effect on protein structure/function; Has not been previously published as pathogenic or benign to our knowledge

NM_001070.5(TUBG1):c.281C>G (p.Ser94Trp)

Gene: TUBG1 (tubulin gamma 1; plus strand). Cytogenetic location: 17q21.2.
Variant type: single nucleotide variant.
Coding change: c.281C>G on transcript NM_001070.5 (MANE Select); coding-DNA position 281, C replaced by G.
Protein change: p.Ser94Trp; replaces serine 94 with tryptophan.
Molecular consequence: missense variant.
Genome position (GRCh38, 1-based): chr17:42,610,541, C>G. VCF-style: chr17-42610541-C-G. GRCh37 (hg19) VCF-style: chr17-40762559-C-G.
Other names: short protein forms S94W.
Identifiers: ClinVar variation 1704707 (VCV001704707.2), dbSNP rs2510733435, ClinGen allele CA399621826.